The following is an entry in ClinVar:

ClinVar aggregate classification (germline): Uncertain significance (1 of 4 stars; one submission).

Conditions:
Hereditary breast ovarian cancer syndrome. Also called: Breast and ovarian cancer; BRCA1- and BRCA2-Associated Hereditary Breast and Ovarian Cancer; Hereditary breast and/or ovarian cancer syndrome; Hereditary breast and ovarian cancer; Hereditary breast and ovarian cancer syndrome (HBOC); Hereditary breast and ovarian cancer syndrome. Identifiers: Orphanet 145, MedGen C0677776, MeSH D061325, MONDO:0003582. Disease mechanism: loss of function.

Submission:

Labcorp Genetics (formerly Invitae), Labcorp
Classification: Uncertain significance for Hereditary breast ovarian cancer syndrome. Last evaluated: 2024-09-06. Review status: criteria provided, single submitter. Criteria: Invitae Variant Classification Sherloc (09022015). Collection method: clinical testing. Allele origin: germline.
Comment: This sequence change replaces histidine, which is basic and polar, with tyrosine, which is neutral and polar, at codon 2455 of the BRCA2 protein (p.His2455Tyr). This variant is not present in population databases (gnomAD no frequency). This missense change has been observed in individual(s) with breast cancer (PMID: 28664449). Invitae Evidence Modeling of protein sequence and biophysical properties (such as structural, functional, and spatial information, amino acid conservation, physicochemical variation, residue mobility, and thermodynamic stability) indicates that this missense variant is not expected to disrupt BRCA2 protein function with a negative predictive value of 95%. In summary, the available evidence is currently insufficient to determine the role of this variant in disease. Therefore, it has been classified as a Variant of Uncertain Significance.

Literature cited by the submitters: PubMed 28664449.

NM_000059.4(BRCA2):c.7363C>T (p.His2455Tyr)

Gene: BRCA2 (BRCA2 DNA repair associated; plus strand). Cytogenetic location: 13q13.1.
Variant type: single nucleotide variant.
Coding change: c.7363C>T on transcript NM_000059.4 (MANE Select); coding-DNA position 7363, C replaced by T.
Protein change: p.His2455Tyr; replaces histidine 2455 with tyrosine.
Molecular consequence: missense variant. On other transcripts: non-coding transcript variant (1).
Genome position (GRCh38, 1-based): chr13:32,355,216, C>T. VCF-style: chr13-32355216-C-T. GRCh37 (hg19) VCF-style: chr13-32929353-C-T.
Other names: c.7267C>T, p.His2423Tyr (NM_001406719.1); c.7363C>T, p.His2455Tyr (NM_001406720.1, NM_001432077.1); c.2431C>T, p.His811Tyr (NM_001406721.1); c.946C>T, p.His316Tyr (NM_001406722.1); short protein forms H2423Y, H2455Y, H316Y, H811Y.
Identifiers: ClinVar variation 3721270 (VCV003721270.2).
Genomic context (GRCh38, chr13:32,355,216, plus strand): 5'-CAAAACATTGATGGACATGGCTCTGATGATAGTAAAAATAAGATTAATGACAATGAGATT[C>T]ATCAGTTTAACAAAAACAACTCCAATCAAGCAGTAGCTGTAACTTTCACAAAGTGTGAAG-3'
Protein context (NP_000050.3, residues 2445-2465): SKNKINDNEI[His2455Tyr]QFNKNNSNQA